The following is an entry in ClinVar:

ClinVar aggregate classification (germline): Uncertain significance. Review status: criteria provided, multiple submitters, no conflicts (2 of 4 stars). 2 submissions from 2 submitters: Uncertain significance (2). Last evaluated 2022-10-18.

Conditions:
Autosomal dominant limb-girdle muscular dystrophy type 1D (DNAJB6) (LGMDD1). Also called: MUSCULAR DYSTROPHY, LIMB-GIRDLE, TYPE 1D; MUSCULAR DYSTROPHY, AUTOSOMAL DOMINANT, WITH RIMMED VACUOLES; Autosomal dominant limb-girdle muscular dystrophy type 1D; Muscular dystrophy, limb-girdle, autosomal dominant 1. Identifiers: Orphanet 34516, MedGen C4721885, MONDO:0021018, OMIM 603511.

Submissions (2):

Labcorp Genetics (formerly Invitae), Labcorp
Classification: Uncertain significance for Autosomal dominant limb-girdle muscular dystrophy type 1D (DNAJB6). Last evaluated: 2022-10-18. Review status: criteria provided, single submitter. Criteria: Invitae Variant Classification Sherloc (09022015). Collection method: clinical testing. Allele origin: germline.
Comment: This variant has not been reported in the literature in individuals affected with DNAJB6-related conditions. ClinVar contains an entry for this variant (Variation ID: 1003621). In summary, the available evidence is currently insufficient to determine the role of this variant in disease. Therefore, it has been classified as a Variant of Uncertain Significance. This variant is not present in population databases (gnomAD no frequency). This sequence change creates a premature translational stop signal (p.Asn38Lysfs*12) in the DNAJB6 gene. It is expected to result in an absent or disrupted protein product. However, the current clinical and genetic evidence is not sufficient to establish whether loss-of-function variants in DNAJB6 cause disease.

Revvity Omics, Revvity
Classification: Uncertain significance for Autosomal dominant limb-girdle muscular dystrophy type 1D (DNAJB6). Last evaluated: 2019-11-25. Review status: criteria provided, single submitter. Criteria: ACMG Guidelines, 2015. Collection method: clinical testing. Allele origin: germline.

NM_058246.4(DNAJB6):c.114del (p.Asn38fs)

Gene: DNAJB6 (DnaJ heat shock protein family (Hsp40) member B6; plus strand). Cytogenetic location: 7q36.3.
Variant type: Deletion.
Coding change: c.114del on transcript NM_058246.4 (MANE Select); coding-DNA position 114, one base deleted (T; older notation c.114delT).
Protein change: p.Asn38fs; shifts the reading frame from asparagine 38.
Molecular consequence: frameshift variant.
Genome position (GRCh38, 1-based): chr7:157,363,209, T deleted. VCF-style (leftmost placement, unchanged base first): chr7-157363208-AT-A. GRCh37 (hg19) VCF-style: chr7-157155902-AT-A.
Other names: c.114del, p.Asn38fs (NM_001363676.1, NM_005494.3); c.114del (NM_058246.3); short protein forms N38fs.
Identifiers: ClinVar variation 1003621 (VCV001003621.9), dbSNP rs1799690248, ClinGen allele CA1755523847.
Genomic context (GRCh38, chr7:157,363,208, plus strand): 5'-TATTCTTTCCAAGATATCGGAAACTGGCACTGAAGTGGCATCCAGATAAAAATCCTGAGA[AT>A]AAAGAAGAAGCAGAGAGAAAATTCAAGCAAGTAGCGGAGGCATATGAAGTGCTGTCGGAT-3'